The following is an entry in ClinVar:

NM_006268.5(DPF2):c.314C>A (p.Thr105Asn)

Gene: DPF2 (double PHD fingers 2; plus strand). Cytogenetic location: 11q13.1.
Variant type: single nucleotide variant.
Coding change: c.314C>A on transcript NM_006268.5 (MANE Select); coding-DNA position 314, C replaced by A.
Protein change: p.Thr105Asn; replaces threonine 105 with asparagine.
Molecular consequence: missense variant.
Genome position (GRCh38, 1-based): chr11:65,341,411, C>A. VCF-style: chr11-65341411-C-A. GRCh37 (hg19) VCF-style: chr11-65108882-C-A.
Other names: c.314C>A, p.Thr105Asn (NM_001330308.2); short protein forms T105N.
Identifiers: ClinVar variation 3617337 (VCV003617337.2).

ClinVar aggregate classification (germline): Uncertain significance (1 of 4 stars; one submission).

gnomAD v4.1: 7 of 1,614,180 alleles (0.00043%); highest among the groups gnomAD compares: Non-Finnish European, 0.00059%; no homozygotes.

Submission:

Labcorp Genetics (formerly Invitae), Labcorp
Classification: Uncertain significance. Last evaluated: 2024-12-28. Review status: criteria provided, single submitter. Criteria: Invitae Variant Classification Sherloc (09022015). Collection method: clinical testing. Allele origin: germline.
Comment: This sequence change replaces threonine, which is neutral and polar, with asparagine, which is neutral and polar, at codon 105 of the DPF2 protein (p.Thr105Asn). This variant is not present in population databases (gnomAD no frequency). This variant has not been reported in the literature in individuals affected with DPF2-related conditions. An algorithm developed to predict the effect of missense changes on protein structure and function (PolyPhen-2) suggests that this variant is likely to be tolerated. In summary, the available evidence is currently insufficient to determine the role of this variant in disease. Therefore, it has been classified as a Variant of Uncertain Significance.